The following is an entry in ClinVar:

ClinVar aggregate classification (germline): Uncertain significance (1 of 4 stars; one submission).

Conditions:
SCN4A-related myopathy, autosomal recessive. Identifiers: MedGen CN294783, MONDO:0100121.

Allele frequency attached by ClinVar (database versions not stated): gnomAD exomes below 0.00001; gnomAD 0.00001.

Submission:

Molecular Genetics, Royal Melbourne Hospital
Classification: Uncertain significance for SCN4A-related myopathy, autosomal recessive. Last evaluated: 2022-08-04. Review status: criteria provided, single submitter. Criteria: ACMG Guidelines, 2015. Collection method: clinical testing. Allele origin: germline.
Comment: This sequence change in SCN4A is predicted to replace lysine with asparagine at codon 1509, p.(Lys1509Asn). The lysine residue is moderately conserved (100 vertebrates, UCSC), and is located in the extracellular loop between the S5DIV and S6DIV domains. There is a moderate physicochemical difference between lysine and asparagine. This variant is present in a single individual in gnomAD v3.1 in the European (non-Finnish) population (1/68,040 alleles). To our knowledge, this variant has not been reported in the literature in any individuals with SCN4A-related disease. Multiple lines of computational evidence have conflicting predictions for the missense substitution (4/6 algorithms predict deleterious). Based on the classification scheme RMH Modified ACMG Guidelines v1.5.1, this variant is classified as a VARIANT OF UNCERTAIN SIGNIFICANCE. Following criteria are met: PM2_Supporting.

NM_000334.4(SCN4A):c.4527G>C (p.Lys1509Asn)

Genes: GH-LCR (growth hormone locus control region; plus strand), SCN4A (sodium voltage-gated channel alpha subunit 4; minus strand). Cytogenetic location: 17q23.3.
Variant type: single nucleotide variant.
Coding change: c.4527G>C on transcript NM_000334.4 (MANE Select); coding-DNA position 4527, G replaced by C.
Protein change: p.Lys1509Asn; replaces lysine 1509 with asparagine.
Molecular consequence: missense variant.
Genome position (GRCh38, 1-based): chr17:63,941,755, C>G on the plus strand (G>C on the coding strand, the complement: SCN4A is on the minus strand). VCF-style: chr17-63941755-C-G. GRCh37 (hg19) VCF-style: chr17-62019115-C-G.
Other names: short protein forms K1509N.
Identifiers: ClinVar variation 3068640 (VCV003068640.1), dbSNP rs1278604861, ClinGen allele CA400615827.